The following is an entry in ClinVar:

NM_000257.4(MYH7):c.4519+1G>C

Genes: MHRT (myosin heavy chain associated RNA transcript; plus strand), MYH7 (myosin heavy chain 7; minus strand). Cytogenetic location: 14q11.2.
Variant type: single nucleotide variant.
Coding change: c.4519+1G>C on transcript NM_000257.4 (MANE Select); the canonical splice donor site of the intron after coding-DNA position 4519, G replaced by C.
Molecular consequence: splice donor variant.
Genome position (GRCh38, 1-based): chr14:23,417,152, C>G on the plus strand (G>C on the coding strand, the complement: MYH7 is on the minus strand). VCF-style: chr14-23417152-C-G. GRCh37 (hg19) VCF-style: chr14-23886361-C-G.
Other names: c.4519+1G>C (NM_001407004.1, NM_000257.3).
Identifiers: ClinVar variation 235034 (VCV000235034.10), dbSNP rs876661374, ClinGen allele CA10581169.

ClinVar aggregate classification (germline): Uncertain significance. Review status: criteria provided, multiple submitters, no conflicts (2 of 4 stars). 3 submissions from 3 submitters: Uncertain significance (3). Last evaluated 2025-04-09.

Conditions:
Cardiovascular phenotype. Identifiers: MedGen CN230736.
Hypertrophic cardiomyopathy. Also called: HYPERTROPHIC MYOCARDIOPATHY. Identifiers: Orphanet 217569, MedGen C0007194, MeSH D002312, MONDO:0005045, HP:0001639.

Allele frequency attached by ClinVar (database versions not stated): gnomAD 0.00001; TOPMed 0.00002.
gnomAD v4.1: 2 of 1,614,052 alleles (0.00012%); highest among the groups gnomAD compares: Admixed American, 0.0017%; no homozygotes.

Submissions (3):

Molecular Diagnostic Laboratory for Inherited Cardiovascular Disease, Montreal Heart Institute
Classification: Uncertain significance for Cardiovascular phenotype. Last evaluated: 2025-04-09. Review status: criteria provided, single submitter. Criteria: ACMG Guidelines, 2015. Collection method: clinical testing. Allele origin: germline. Affected: yes.
Comment: PVS1_mod, PM2, PS4_supp

Labcorp Genetics (formerly Invitae), Labcorp
Classification: Uncertain significance for Hypertrophic cardiomyopathy. Last evaluated: 2022-03-14. Review status: criteria provided, single submitter. Criteria: Invitae Variant Classification Sherloc (09022015). Collection method: clinical testing. Allele origin: germline.
Comment: This variant is not present in population databases (gnomAD no frequency). In summary, the available evidence is currently insufficient to determine the role of this variant in disease. Therefore, it has been classified as a Variant of Uncertain Significance. Algorithms developed to predict the effect of sequence changes on RNA splicing suggest that this variant may disrupt the consensus splice site. ClinVar contains an entry for this variant (Variation ID: 235034). Disruption of this splice site has been observed in individual(s) with autosomal dominant distal myopathy and/or hypertrophic cardiomyopathy (PMID: 30297972, 32403337). This sequence change affects a donor splice site in intron 32 of the MYH7 gene. It is expected to disrupt RNA splicing. Variants that disrupt the donor or acceptor splice site typically lead to a loss of protein function (PMID: 16199547), however the current clinical and genetic evidence is not sufficient to establish whether loss-of-function variants in MYH7 cause disease.

Stanford Center for Inherited Cardiovascular Disease, Stanford University
Classification: Uncertain significance. Last evaluated: 2012-01-17. Review status: criteria provided, single submitter. Criteria: ACMG Guidelines, 2015. Collection method: provider interpretation. Allele origin: germline.

Literature cited by the submitters: PubMed 30297972 (cited by Labcorp Genetics (formerly Invitae), Labcorp); PubMed 32403337 (cited by Labcorp Genetics (formerly Invitae), Labcorp); PubMed 16199547 (cited by Labcorp Genetics (formerly Invitae), Labcorp).